The following is an entry in ClinVar:

NM_001458.5(FLNC):c.7779T>C (p.Thr2593=)

Genes: FLNC-AS1 (FLNC antisense RNA 1; minus strand), FLNC (filamin C; plus strand). Cytogenetic location: 7q32.1.
Variant type: single nucleotide variant.
Coding change: c.7779T>C on transcript NM_001458.5 (MANE Select); coding-DNA position 7779, T replaced by C.
Protein change: p.Thr2593=; no amino-acid change (threonine 2593 retained).
Molecular consequence: synonymous variant.
Genome position (GRCh38, 1-based): chr7:128,857,335, T>C. VCF-style: chr7-128857335-T-C. GRCh37 (hg19) VCF-style: chr7-128497389-T-C.
Other names: c.7680T>C, p.Thr2560= (NM_001127487.2).
Identifiers: ClinVar variation 3749598 (VCV003749598.2).
Genomic context (GRCh38, chr7:128,857,335, plus strand): 5'-TGCCATCAAGTACGGTGGCCCCCAGCACATCGTGGGCAGCCCCTTCAAGGCCAAGGTCAC[T>C]GGTGAGTGCCAGTTTGGGGGAGGTCCACCCAGCCTGCAGCCCAGCCCAGCCTGGAGGGCT-3'
Protein context (NP_001449.3, residues 2583-2603): IVGSPFKAKV[Thr2593=]GPRLSGGHSL

ClinVar aggregate classification (germline): Uncertain significance (1 of 4 stars; one submission).

Conditions:
Hypertrophic cardiomyopathy 26. Also called: Cardiomyopathy, familial hypertrophic, 26. Identifiers: Orphanet 75249, MedGen C4310749, MONDO:0014883, OMIM 617047.
Myofibrillar myopathy 5. Also called: Filaminopathy (type); FILAMINOPATHY, AUTOSOMAL DOMINANT. Identifiers: Orphanet 171445, MedGen C1836050, MONDO:0012289, OMIM 609524.
Distal myopathy with posterior leg and anterior hand involvement. Also called: WILLIAMS DISTAL MYOPATHY. Identifiers: Orphanet 63273, MedGen C3279722, MONDO:0013550, OMIM 614065.

Submission:

Labcorp Genetics (formerly Invitae), Labcorp
Classification: Uncertain significance for Distal myopathy with posterior leg and anterior hand involvement; Myofibrillar myopathy 5; Hypertrophic cardiomyopathy 26. Last evaluated: 2025-06-29. Review status: criteria provided, single submitter. Criteria: Invitae Variant Classification Sherloc (09022015). Collection method: clinical testing. Allele origin: germline.
Comment: This sequence change affects codon 2593 of the FLNC mRNA. It is a 'silent' change, meaning that it does not change the encoded amino acid sequence of the FLNC protein. It affects a nucleotide within the consensus splice site. This variant is not present in population databases (gnomAD no frequency). This variant has not been reported in the literature in individuals affected with FLNC-related conditions. ClinVar contains an entry for this variant (Variation ID: 3749598). Algorithms developed to predict the effect of sequence changes on RNA splicing suggest that this variant is not likely to affect RNA splicing. In summary, the available evidence is currently insufficient to determine the role of this variant in disease. Therefore, it has been classified as a Variant of Uncertain Significance.